The following is an entry in ClinVar:

NM_000088.4(COL1A1):c.1155+3_1155+6del

Gene: COL1A1 (collagen type I alpha 1 chain; minus strand). Cytogenetic location: 17q21.33.
Variant type: Deletion.
Coding change: c.1155+3_1155+6del on transcript NM_000088.4 (MANE Select); bases 3 to 6 of the intron after coding-DNA position 1155, 4 bases deleted (AAGT; older notation c.1155+3_1155+6delAAGT).
Molecular consequence: splice donor variant.
Genome position (GRCh38, 1-based): chr17:50,195,561-50,195,564, ACTT deleted on the plus strand (AAGT on the coding strand, the reverse complement: COL1A1 is on the minus strand); deleting any 4 consecutive bases within chr17:50,195,561-50,195,566 gives the same sequence; the c. name uses the placement nearest the transcript's 3' end. VCF-style (leftmost placement, unchanged base first): chr17-50195560-CACTT-C. GRCh37 (hg19) VCF-style: chr17-48272921-CACTT-C.
Other names: c.1155+3_1155+6delAAGT (NM_000088.3).
Identifiers: ClinVar variation 449401 (VCV000449401.2), dbSNP rs72648316, ClinGen allele CA291546840.

ClinVar aggregate classification (germline): Likely pathogenic (1 of 4 stars; one submission).

Submission:

GeneDx
Classification: Likely pathogenic. Last evaluated: 2017-10-09. Review status: criteria provided, single submitter. Criteria: GeneDx Variant Classification (06012015). Collection method: clinical testing. Allele origin: germline. Affected: yes.
Comment: The c.1155+3_1155+6delAAGT variant has been published in association with osteogenesis imperfecta (Hartikka et al., 2004; Lin et al., 2015). The c.1155+3_1155+6delAAGT variant is not observed in large population cohorts (Lek et al., 2016). Several in-silico splice prediction models predict that c.1155+3_1155+6delAAGT results in loss of the splice donor site for intron 17 which may lead to abnormal gene splicing. However, in the absence of RNA/functional studies, the actual effect of this sequence change is unknown. Therefore, this variant is likely pathogenic; however, the possibility that it is benign cannot be excluded.